The following is an entry in ClinVar:

ClinVar aggregate classification (germline): Uncertain significance. Review status: criteria provided, multiple submitters, no conflicts (2 of 4 stars). 3 submissions from 3 submitters: Uncertain significance (3). Last evaluated 2024-09-17.

Conditions:
Baller-Gerold syndrome (BGS). Also called: CRANIOSYNOSTOSIS WITH RADIAL DEFECTS. Identifiers: Orphanet 1225, MedGen C0265308, MONDO:0009039, OMIM 218600.
Rapadilino syndrome. Identifiers: Orphanet 3021, MedGen C1849453, MONDO:0009955, OMIM 266280.
Rothmund-Thomson syndrome type 2 (RTS2). Identifiers: Orphanet 221016, MedGen C5203410, MONDO:0016369, OMIM 268400.

Allele frequency attached by ClinVar (database versions not stated): gnomAD exomes 0.00002 and 0.00004; ExAC 0.00004; TOPMed 0.00006; gnomAD 0.00007.
gnomAD v4.1: 69 of 1,599,602 alleles (0.0043%); highest among the groups gnomAD compares: African/African-American, 0.013%; no homozygotes.

Submissions (3):

Labcorp Genetics (formerly Invitae), Labcorp
Classification: Uncertain significance for Baller-Gerold syndrome. Last evaluated: 2024-09-17. Review status: criteria provided, single submitter. Criteria: Invitae Variant Classification Sherloc (09022015). Collection method: clinical testing. Allele origin: germline.
Comment: This sequence change replaces glutamic acid, which is acidic and polar, with lysine, which is basic and polar, at codon 796 of the RECQL4 protein (p.Glu796Lys). This variant is present in population databases (rs746005466, gnomAD 0.004%). This variant has not been reported in the literature in individuals affected with RECQL4-related conditions. ClinVar contains an entry for this variant (Variation ID: 459396). Invitae Evidence Modeling of protein sequence and biophysical properties (such as structural, functional, and spatial information, amino acid conservation, physicochemical variation, residue mobility, and thermodynamic stability) indicates that this missense variant is expected to disrupt RECQL4 protein function with a positive predictive value of 80%. In summary, the available evidence is currently insufficient to determine the role of this variant in disease. Therefore, it has been classified as a Variant of Uncertain Significance.

Blueprint Genetics
Classification: Uncertain significance. Last evaluated: 2022-07-07. Review status: criteria provided, single submitter. Criteria: ACMG Guidelines, 2015. Collection method: clinical testing. Allele origin: germline.

Fulgent Genetics
Classification: Uncertain significance for Baller-Gerold syndrome; Rapadilino syndrome; Rothmund-Thomson syndrome type 2. Last evaluated: 2022-02-14. Review status: criteria provided, single submitter. Criteria: ACMG Guidelines, 2015. Collection method: clinical testing. Allele origin: unknown.

NM_004260.4(RECQL4):c.2386G>A (p.Glu796Lys)

Gene: RECQL4 (RecQ like helicase 4; minus strand). Cytogenetic location: 8q24.3.
Variant type: single nucleotide variant.
Coding change: c.2386G>A on transcript NM_004260.4 (MANE Select); coding-DNA position 2386, G replaced by A.
Protein change: p.Glu796Lys; replaces glutamic acid 796 with lysine.
Molecular consequence: missense variant.
Genome position (GRCh38, 1-based): chr8:144,513,295, C>T on the plus strand (G>A on the coding strand, the complement: RECQL4 is on the minus strand). VCF-style: chr8-144513295-C-T. GRCh37 (hg19) VCF-style: chr8-145738678-C-T.
Other names: short protein forms E796K.
Identifiers: ClinVar variation 459396 (VCV000459396.11), dbSNP rs746005466, ClinGen allele CA4948312.